The following is an entry in ClinVar:

NM_002180.3(IGHMBP2):c.86+1G>T

Gene: IGHMBP2 (immunoglobulin mu DNA binding protein 2; plus strand). Cytogenetic location: 11q13.3.
Variant type: single nucleotide variant.
Coding change: c.86+1G>T on transcript NM_002180.3 (MANE Select); the canonical splice donor site of the intron after coding-DNA position 86, G replaced by T.
Molecular consequence: splice donor variant.
Genome position (GRCh38, 1-based): chr11:68,904,039, G>T. VCF-style: chr11-68904039-G-T. GRCh37 (hg19) VCF-style: chr11-68671507-G-T.
Identifiers: ClinVar variation 2931459 (VCV002931459.3), dbSNP rs1012702109, ClinGen allele CA223381919.

ClinVar aggregate classification (germline): Likely pathogenic (1 of 4 stars; one submission).

Conditions:
Charcot-Marie-Tooth disease axonal type 2S. Also called: CHARCOT-MARIE-TOOTH NEUROPATHY, TYPE 2S; CHARCOT-MARIE-TOOTH DISEASE, AXONAL, AUTOSOMAL RECESSIVE, TYPE 2S. Identifiers: Orphanet 443073, MedGen C4015349, MONDO:0014511, OMIM 616155.
Autosomal recessive distal spinal muscular atrophy 1. Also called: HMN VI; NEURONOPATHY, SEVERE INFANTILE AXONAL, WITH RESPIRATORY FAILURE; SEVERE INFANTILE AXONAL NEUROPATHY WITH RESPIRATORY FAILURE; SPINAL MUSCULAR ATROPHY, DIAPHRAGMATIC; Spinal muscular atrophy with respiratory distress 1; NEURONOPATHY, DISTAL HEREDITARY MOTOR, HARDING TYPE VI. Identifiers: Orphanet 98920, MedGen C1858517, MONDO:0011436, OMIM 604320.

Allele frequency attached by ClinVar (database versions not stated): gnomAD 0.00001.
gnomAD v4.1: 1 of 1,548,770 alleles (0.000065%); highest among the groups gnomAD compares: Non-Finnish European, 0.000087%; no homozygotes.

Submission:

Labcorp Genetics (formerly Invitae), Labcorp
Classification: Likely pathogenic for Autosomal recessive distal spinal muscular atrophy 1; Charcot-Marie-Tooth disease axonal type 2S. Last evaluated: 2023-02-04. Review status: criteria provided, single submitter. Criteria: Invitae Variant Classification Sherloc (09022015). Collection method: clinical testing. Allele origin: germline.
Comment: This sequence change affects a donor splice site in intron 1 of the IGHMBP2 gene. It is expected to disrupt RNA splicing. Variants that disrupt the donor or acceptor splice site typically lead to a loss of protein function (PMID: 16199547), and loss-of-function variants in IGHMBP2 are known to be pathogenic (PMID: 14681881, 25439726, 25568292). This variant is not present in population databases (gnomAD no frequency). In summary, the currently available evidence indicates that the variant is pathogenic, but additional data are needed to prove that conclusively. Therefore, this variant has been classified as Likely Pathogenic. Algorithms developed to predict the effect of sequence changes on RNA splicing suggest that this variant may disrupt the consensus splice site. This variant has not been reported in the literature in individuals affected with IGHMBP2-related conditions.

Literature cited by the submitters: PubMed 16199547; PubMed 14681881; PubMed 25439726; PubMed 25568292.